The following is an entry in ClinVar:

ClinVar aggregate classification (germline): Pathogenic (1 of 4 stars; one submission).

Conditions:
Charcot-Marie-Tooth disease type 4. Also called: Charcot-Marie-Tooth disease, type IV; Charcot-Marie-Tooth, Type 4. Identifiers: Orphanet 64749, MedGen C4082197, MONDO:0018995.

Submission:

Labcorp Genetics (formerly Invitae), Labcorp
Classification: Pathogenic for Charcot-Marie-Tooth disease type 4. Last evaluated: 2022-10-24. Review status: criteria provided, single submitter. Criteria: Invitae Variant Classification Sherloc (09022015). Collection method: clinical testing. Allele origin: germline.
Comment: This sequence change creates a premature translational stop signal (p.Arg241*) in the NDRG1 gene. It is expected to result in an absent or disrupted protein product. Loss-of-function variants in NDRG1 are known to be pathogenic (PMID: 12872253, 23996628). This variant is not present in population databases (gnomAD no frequency). This variant has not been reported in the literature in individuals affected with NDRG1-related conditions. For these reasons, this variant has been classified as Pathogenic.

Literature cited by the submitters: PubMed 12872253; PubMed 23996628.

NM_006096.4(NDRG1):c.721C>T (p.Arg241Ter)

Genes: NDRG1 (N-myc downstream regulated 1; minus strand), LOC126860531 (CDK7 strongly-dependent group 2 enhancer GRCh37_chr8:134259869-134261068; plus strand). Cytogenetic location: 8q24.22.
Variant type: single nucleotide variant.
Coding change: c.721C>T on transcript NM_006096.4 (MANE Select); coding-DNA position 721, C replaced by T.
Protein change: p.Arg241Ter; replaces arginine 241 with a stop codon.
Molecular consequence: nonsense.
Genome position (GRCh38, 1-based): chr8:133,248,749, G>A on the plus strand (C>T on the coding strand, the complement: NDRG1 is on the minus strand). VCF-style: chr8-133248749-G-A. GRCh37 (hg19) VCF-style: chr8-134260992-G-A.
Other names: c.721C>T, p.Arg241Ter (NM_001135242.2, NM_001374845.1, NM_001374846.1); c.523C>T, p.Arg175Ter (NM_001258432.2, NM_001374847.1); c.478C>T, p.Arg160Ter (NM_001258433.2); c.772C>T, p.Arg258Ter (NM_001374844.1); short protein forms R160*, R175*, R241*, R258*.
Identifiers: ClinVar variation 2413752 (VCV002413752.7), dbSNP rs1170222257, ClinGen allele CA372255209.
Genomic context (GRCh38, chr8:133,248,749, plus strand): 5'-TGCTGGGGGAGAGAAAAGCCACTCACTGCAGGGTGACTGTGTGGGTTCCCGGCATTGGTC[G>A]CTCAATCTCCAGGTCGCGCCGGCTGCAGGAAACAAATGCATCATTAGCATGAGGACCCCT-3'